The following is an entry in ClinVar:

ClinVar aggregate classification (germline): Uncertain significance. Review status: criteria provided, multiple submitters, no conflicts (2 of 4 stars). 2 submissions from 2 submitters: Uncertain significance (2). Last evaluated 2023-11-02.

Conditions:
Hereditary cancer-predisposing syndrome. Also called: Neoplastic Syndromes, Hereditary; Tumor predisposition; Hereditary Cancer Syndrome; Hereditary neoplastic syndrome. Identifiers: Orphanet 140162, MedGen C0027672, MeSH D009386, MONDO:0015356.

Submissions (2):

Labcorp Genetics (formerly Invitae), Labcorp
Classification: Uncertain significance. Last evaluated: 2023-11-02. Review status: criteria provided, single submitter. Criteria: Invitae Variant Classification Sherloc (09022015). Collection method: clinical testing. Allele origin: germline.
Comment: This sequence change replaces valine, which is neutral and non-polar, with alanine, which is neutral and non-polar, at codon 422 of the CTNNA1 protein (p.Val422Ala). This variant is not present in population databases (gnomAD no frequency). This variant has not been reported in the literature in individuals affected with CTNNA1-related conditions. ClinVar contains an entry for this variant (Variation ID: 1764073). Advanced modeling of protein sequence and biophysical properties (such as structural, functional, and spatial information, amino acid conservation, physicochemical variation, residue mobility, and thermodynamic stability) performed at Invitae indicates that this missense variant is not expected to disrupt CTNNA1 protein function with a negative predictive value of 80%. In summary, the available evidence is currently insufficient to determine the role of this variant in disease. Therefore, it has been classified as a Variant of Uncertain Significance.

Ambry Genetics
Classification: Uncertain significance for Hereditary cancer-predisposing syndrome. Last evaluated: 2022-04-20. Review status: criteria provided, single submitter. Criteria: Ambry Variant Classification Scheme 2023. Collection method: clinical testing. Allele origin: germline.
Comment: The p.V422A variant (also known as c.1265T>C), located in coding exon 8 of the CTNNA1 gene, results from a T to C substitution at nucleotide position 1265. The valine at codon 422 is replaced by alanine, an amino acid with similar properties. This amino acid position is highly conserved in available vertebrate species. In addition, the in silico prediction for this alteration is inconclusive. The evidence for this gene-disease relationship is limited; therefore, the clinical significance of this alteration is unclear.

NM_001903.5(CTNNA1):c.1265T>C (p.Val422Ala)

Gene: CTNNA1 (catenin alpha 1; plus strand). Cytogenetic location: 5q31.2.
Variant type: single nucleotide variant.
Coding change: c.1265T>C on transcript NM_001903.5 (MANE Select); coding-DNA position 1265, T replaced by C.
Protein change: p.Val422Ala; replaces valine 422 with alanine.
Molecular consequence: missense variant. On other transcripts: 5 prime UTR variant (5), intron variant (2).
Genome position (GRCh38, 1-based): chr5:138,887,611, T>C. VCF-style: chr5-138887611-T-C. GRCh37 (hg19) VCF-style: chr5-138223300-T-C.
Other names: c.1265T>C, p.Val422Ala (NM_001290307.3, NM_001323982.2, NM_001323983.1 and 3 more transcripts); c.956T>C, p.Val319Ala (NM_001290309.3); c.896T>C, p.Val299Ala (NM_001290310.3); c.155T>C, p.Val52Ala (NM_001290312.1, NM_001323987.1, NM_001323988.1 and 18 more transcripts); c.-243T>C (NM_001324006.1, NM_001324007.1, NM_001324008.1 and 1 more transcripts); c.-118T>C (NM_001324013.1); c.-58+12014T>C (NM_001324012.1); c.-61+12014T>C (NM_001324010.1); short protein forms V299A, V422A, V319A, V52A.
Identifiers: ClinVar variation 1764073 (VCV001764073.5), dbSNP rs1754356342, ClinGen allele CA361133208.